The following is an entry in ClinVar:

NM_001256545.2(MEGF10):c.985G>A (p.Gly329Arg)

Gene: MEGF10 (multiple EGF like domains 10; plus strand). Cytogenetic location: 5q23.2.
Variant type: single nucleotide variant.
Coding change: c.985G>A on transcript NM_001256545.2 (MANE Select); coding-DNA position 985, G replaced by A.
Protein change: p.Gly329Arg; replaces glycine 329 with arginine.
Molecular consequence: missense variant.
Genome position (GRCh38, 1-based): chr5:127,410,456, G>A. VCF-style: chr5-127410456-G-A. GRCh37 (hg19) VCF-style: chr5-126746148-G-A.
Other names: c.985G>A, p.Gly329Arg (NM_001308119.2, NM_001308121.2, NM_032446.3); short protein forms G329R.
Identifiers: ClinVar variation 1512015 (VCV001512015.3), dbSNP rs148583278, ClinGen allele CA3391452.

ClinVar aggregate classification (germline): Uncertain significance (1 of 4 stars; one submission).

Conditions:
MEGF10-related myopathy (CMYO10A). Also called: Congenital myopathy 10A, severe variant. Identifiers: Orphanet 439212, MedGen C3280679, MONDO:0013731, OMIM 614399.

Allele frequency attached by ClinVar (database versions not stated): gnomAD 0.00001 and 0.00002; gnomAD exomes 0.00001 and 0.00003; TOPMed 0.00001; ExAC 0.00004; ESP Exome Variant Server 0.00015; 1000 Genomes Project 30x 0.00016.
gnomAD v4.1: 19 of 1,614,206 alleles (0.0012%); highest among the groups gnomAD compares: Admixed American, 0.0017%; no homozygotes.

Submission:

Labcorp Genetics (formerly Invitae), Labcorp
Classification: Uncertain significance for MEGF10-related myopathy. Last evaluated: 2022-06-27. Review status: criteria provided, single submitter. Criteria: Invitae Variant Classification Sherloc (09022015). Collection method: clinical testing. Allele origin: germline.
Comment: This sequence change replaces glycine, which is neutral and non-polar, with arginine, which is basic and polar, at codon 329 of the MEGF10 protein (p.Gly329Arg). This variant is present in population databases (rs148583278, gnomAD 0.006%). This variant has not been reported in the literature in individuals affected with MEGF10-related conditions. Algorithms developed to predict the effect of missense changes on protein structure and function are either unavailable or do not agree on the potential impact of this missense change (SIFT: "Deleterious"; PolyPhen-2: "Benign"; Align-GVGD: "Class C65"). Algorithms developed to predict the effect of sequence changes on RNA splicing suggest that this variant may create or strengthen a splice site. In summary, the available evidence is currently insufficient to determine the role of this variant in disease. Therefore, it has been classified as a Variant of Uncertain Significance.